The following is an entry in ClinVar:

ClinVar aggregate classification (germline): Uncertain significance (1 of 4 stars; one submission).

Submission:

GeneDx
Classification: Uncertain significance. Last evaluated: 2024-04-24. Review status: criteria provided, single submitter. Criteria: GeneDx Variant Classification Process June 2021. Collection method: clinical testing. Allele origin: germline. Affected: yes.
Comment: Not observed at significant frequency in large population cohorts (gnomAD); In silico analysis supports that this missense variant has a deleterious effect on protein structure/function; Has not been previously published as pathogenic or benign to our knowledge

NM_000875.5(IGF1R):c.1138C>T (p.Leu380Phe)

Gene: IGF1R (insulin like growth factor 1 receptor; plus strand). Cytogenetic location: 15q26.3.
Variant type: single nucleotide variant.
Coding change: c.1138C>T on transcript NM_000875.5 (MANE Select); coding-DNA position 1138, C replaced by T.
Protein change: p.Leu380Phe; replaces leucine 380 with phenylalanine.
Molecular consequence: missense variant.
Genome position (GRCh38, 1-based): chr15:98,899,512, C>T. VCF-style: chr15-98899512-C-T. GRCh37 (hg19) VCF-style: chr15-99442741-C-T.
Other names: c.1138C>T, p.Leu380Phe (NM_001291858.2); short protein forms L380F.
Identifiers: ClinVar variation 3373013 (VCV003373013.1).